The following is an entry in ClinVar:

ClinVar aggregate classification (germline): Uncertain significance (1 of 4 stars; one submission).

Conditions:
Primary ciliary dyskinesia. Also called: Ciliary dyskinesia. Identifiers: Orphanet 244, MedGen C0008780, MONDO:0016575, HP:0012265.

Submission:

Labcorp Genetics (formerly Invitae), Labcorp
Classification: Uncertain significance for Primary ciliary dyskinesia. Last evaluated: 2022-07-15. Review status: criteria provided, single submitter. Criteria: Invitae Variant Classification Sherloc (09022015). Collection method: clinical testing. Allele origin: germline.
Comment: Algorithms developed to predict the effect of missense changes on protein structure and function (SIFT, PolyPhen-2, Align-GVGD) all suggest that this variant is likely to be tolerated. In summary, the available evidence is currently insufficient to determine the role of this variant in disease. Therefore, it has been classified as a Variant of Uncertain Significance. This variant has not been reported in the literature in individuals affected with CCDC40-related conditions. This sequence change replaces glutamine, which is neutral and polar, with glutamic acid, which is acidic and polar, at codon 591 of the CCDC40 protein (p.Gln591Glu). This variant is not present in population databases (gnomAD no frequency).

NM_017950.4(CCDC40):c.1771C>G (p.Gln591Glu)

Gene: CCDC40 (coiled-coil domain 40 molecular ruler complex subunit; plus strand). Cytogenetic location: 17q25.3.
Variant type: single nucleotide variant.
Coding change: c.1771C>G on transcript NM_017950.4 (MANE Select); coding-DNA position 1771, C replaced by G.
Protein change: p.Gln591Glu; replaces glutamine 591 with glutamic acid.
Molecular consequence: missense variant.
Genome position (GRCh38, 1-based): chr17:80,081,754, C>G. VCF-style: chr17-80081754-C-G. GRCh37 (hg19) VCF-style: chr17-78055553-C-G.
Other names: c.1771C>G, p.Gln591Glu (NM_001243342.2); short protein forms Q591E.
Identifiers: ClinVar variation 2169626 (VCV002169626.4), dbSNP rs1268068598, ClinGen allele CA401337956.